The following is an entry in ClinVar:

NM_177438.3(DICER1):c.2150_2155del (p.Lys717_Glu718del)

Gene: DICER1 (dicer 1, ribonuclease III; minus strand). Cytogenetic location: 14q32.13.
Variant type: Deletion.
Coding change: c.2150_2155del on transcript NM_177438.3 (MANE Select); coding-DNA positions 2150 to 2155, 6 bases deleted (AAGAGA; older notation c.2150_2155delAAGAGA).
Protein change: p.Lys717_Glu718del.
Molecular consequence: inframe deletion.
Genome position (GRCh38, 1-based): chr14:95,111,418-95,111,423, TCTCTT deleted on the plus strand (AAGAGA on the coding strand, the reverse complement: DICER1 is on the minus strand); deleting any 6 consecutive bases within chr14:95,111,418-95,111,425 gives the same sequence; the c. name uses the placement nearest the transcript's 3' end. VCF-style (leftmost placement, unchanged base first): chr14-95111417-GTCTCTT-G. GRCh37 (hg19) VCF-style: chr14-95577754-GTCTCTT-G.
Other names: c.2150_2155delAAGAGA (NM_177438.2); c.2150_2155del, p.Lys717_Glu718del (NM_001195573.1, NM_001271282.3, NM_001291628.2 and 1 more transcripts).
Identifiers: ClinVar variation 485527 (VCV000485527.5), dbSNP rs1555371626, ClinGen allele CA658656442.

ClinVar aggregate classification (germline): Uncertain significance (1 of 4 stars; one submission).

Conditions:
Hereditary cancer-predisposing syndrome. Also called: Tumor predisposition; Hereditary Cancer Syndrome; Hereditary neoplastic syndrome; Neoplastic Syndromes, Hereditary. Identifiers: Orphanet 140162, MedGen C0027672, MeSH D009386, MONDO:0015356.

Submission:

Ambry Genetics
Classification: Uncertain significance for Hereditary cancer-predisposing syndrome. Last evaluated: 2017-02-06. Review status: criteria provided, single submitter. Criteria: Ambry Variant Classification Scheme 2023. Collection method: clinical testing. Allele origin: germline.
Comment: The c.2150_2155delAAGAGA variant (also known as p.K717_E718del) is located in coding exon 13 of the DICER1 gene. This variant results from an in-frame AAGAGA deletion at nucleotide positions 2150 to 2155. This results in the in-frame deletion of two amino acids at codon 717. This amino acid position is highly conserved in available vertebrate species. Since supporting evidence is limited at this time, the clinical significance of this alteration remains unclear.